The following is an entry in ClinVar:

NM_001267550.2(TTN):c.43213+1G>A

Gene: TTN (titin; minus strand). Cytogenetic location: 2q31.2.
Variant type: single nucleotide variant.
Coding change: c.43213+1G>A on transcript NM_001267550.2 (MANE Select); the canonical splice donor site of the intron after coding-DNA position 43213, G replaced by A.
Molecular consequence: splice donor variant.
Genome position (GRCh38, 1-based): chr2:178,632,917, C>T on the plus strand (G>A on the coding strand, the complement: TTN is on the minus strand). VCF-style: chr2-178632917-C-T. GRCh37 (hg19) VCF-style: chr2-179497644-C-T.
Other names: c.16018+1G>A (NM_003319.4); c.16594+1G>A (NM_133437.4); c.16393+1G>A (NM_133432.3); c.35509+1G>A (NM_133378.4); c.38290+1G>A (NM_001256850.1).
Identifiers: ClinVar variation 2951831 (VCV002951831.3), dbSNP rs2059978690, ClinGen allele CA349651825.

ClinVar aggregate classification (germline): Likely pathogenic (1 of 4 stars; one submission).

Conditions:
Dilated cardiomyopathy 1G (CMD1G). Identifiers: Orphanet 154, MedGen C1858763, MONDO:0011400, OMIM 604145.
Autosomal recessive limb-girdle muscular dystrophy type 2J (LGMDR10). Also called: Limb-girdle muscular dystrophy, type 2J; MUSCULAR DYSTROPHY, LIMB-GIRDLE, AUTOSOMAL RECESSIVE 10. Identifiers: Orphanet 140922, MedGen C1837342, MONDO:0012127, OMIM 608807.

Submission:

Labcorp Genetics (formerly Invitae), Labcorp
Classification: Likely pathogenic for Dilated cardiomyopathy 1G; Autosomal recessive limb-girdle muscular dystrophy type 2J. Last evaluated: 2024-10-18. Review status: criteria provided, single submitter. Criteria: Invitae Variant Classification Sherloc (09022015). Collection method: clinical testing. Allele origin: germline.
Comment: This sequence change affects a donor splice site in intron 234 of the TTN gene. It is expected to disrupt RNA splicing and likely results in a truncated or disrupted TTN protein. This variant is not present in population databases (gnomAD no frequency). This variant has not been reported in the literature in individuals affected with TTN-related conditions. Algorithms developed to predict the effect of sequence changes on RNA splicing suggest that this variant may disrupt the consensus splice site. This variant is located in the I band of TTN (PMID: 25589632). Truncating variants in this region have been reported in individuals affected with autosomal recessive centronuclear myopathy (PMID: 23975875, internal data). Truncating variants in this region have also been identified in individuals affected with autosomal dominant dilated cardiomyopathy and/or cardio-related conditions (PMID: 27869827, 32964742, internal data). In summary, the currently available evidence indicates that the variant is pathogenic, but additional data are needed to prove that conclusively. Therefore, this variant has been classified as Likely Pathogenic.

Literature cited by the submitters: PubMed 25589632; PubMed 23975875; PubMed 27869827; PubMed 32964742.